The following is an entry in ClinVar:

ClinVar aggregate classification (germline): Benign/Likely benign. Review status: criteria provided, multiple submitters, no conflicts (2 of 4 stars). 2 submissions from 2 submitters: Benign (1); Likely benign (1). Last evaluated 2026-06-09.

Conditions:
VPS13C-related disorder. Also called: VPS13C-related condition.

Allele frequency attached by ClinVar (database versions not stated): gnomAD exomes 0.00044 and 0.00149; ExAC 0.00208; gnomAD 0.00534 and 0.00572; 1000 Genomes Project 30x 0.00547; 1000 Genomes Project 0.00579; ESP Exome Variant Server 0.00617; TOPMed 0.00618.
gnomAD v4.1: 1,465 of 1,585,578 alleles (0.092%); highest among the groups gnomAD compares: African/African-American, 1.9%; 17 homozygotes.

Submissions (2):

PreventionGenetics, part of Exact Sciences
Classification: Likely benign for VPS13C-related condition. Last evaluated: 2026-06-09. Review status: criteria provided, single submitter. Criteria: ACMG Guidelines, 2015. Collection method: clinical testing. Allele origin: germline.
Comment: This variant is classified as likely benign based on ACMG/AMP sequence variant interpretation guidelines (Richards et al. 2015 PMID: 25741868, with internal and published modifications).

Labcorp Genetics (formerly Invitae), Labcorp
Classification: Benign. Last evaluated: 2026-01-26. Review status: criteria provided, single submitter. Criteria: Invitae Variant Classification Sherloc (09022015). Collection method: clinical testing. Allele origin: germline.

NM_020821.3(VPS13C):c.8442T>C (p.Asn2814=)

Gene: VPS13C (vacuolar protein sorting 13 homolog C; minus strand). Cytogenetic location: 15q22.2.
Variant type: single nucleotide variant.
Coding change: c.8442T>C on transcript NM_020821.3 (MANE Select); coding-DNA position 8442, T replaced by C.
Protein change: p.Asn2814=; no amino-acid change (asparagine 2814 retained).
Molecular consequence: synonymous variant.
Genome position (GRCh38, 1-based): chr15:61,915,636, A>G on the plus strand (T>C on the coding strand, the complement: VPS13C is on the minus strand). VCF-style: chr15-61915636-A-G. GRCh37 (hg19) VCF-style: chr15-62207835-A-G.
Other names: c.8442T>C, p.Asn2814= (NM_001018088.3); c.8313T>C, p.Asn2771= (NM_017684.5, NM_018080.4).
Identifiers: ClinVar variation 787118 (VCV000787118.10), dbSNP rs34435223, ClinGen allele CA7595002.